The following is an entry in ClinVar:

ClinVar aggregate classification (germline): Uncertain significance. Review status: criteria provided, multiple submitters, no conflicts (2 of 4 stars). 2 submissions from 2 submitters: Uncertain significance (2). Last evaluated 2026-01-26.

Conditions:
Congenital myopathy 22A, classic (CMYO22A). Identifiers: MedGen C5830453, MONDO:0957247, OMIM 620351.
Hypokalemic periodic paralysis, type 2 (HOKPP2). Identifiers: Orphanet 681, MedGen C2750061, MONDO:0013234, OMIM 613345.
Hyperkalemic periodic paralysis. Also called: Gamstorp disease; Familial hyperkalemic periodic paralysis. Identifiers: Orphanet 682, MedGen C0238357, MONDO:0008224, OMIM 170500, HP:0007215.
Congenital myopathy 22B, severe fetal (CMYO22B). Identifiers: MedGen C5830501, MONDO:0957265, OMIM 620369.
Congenital myasthenic syndrome 16. Identifiers: Orphanet 590, MedGen C3280112, MONDO:0013620, OMIM 614198.
Potassium-aggravated myotonia. Also called: MYOTONIA CONGENITA, ACETAZOLAMIDE-RESPONSIVE; MYOTONIA CONGENITA, ATYPICAL; SODIUM CHANNEL MUSCLE DISEASE; Myotonia congenita, atypical, acetazolamide-responsive. Identifiers: Orphanet 612, Orphanet 99734, Orphanet 99735, Orphanet 99736, MedGen C2931826, MONDO:0018959, OMIM 608390.
Paramyotonia congenita of Von Eulenburg. Also called: PARALYSIS PERIODICA PARAMYOTONICA; Eulenburg disease; Myotonia congenita intermittens; Von Eulenburg paramyotonia congenita; Paramyotonia Congenita. Identifiers: Orphanet 684, MedGen C0221055, MONDO:0008195, OMIM 168300. Disease mechanism: loss of function.

gnomAD v4.1: 7 of 1,602,746 alleles (0.00044%); highest among the groups gnomAD compares: South Asian, 0.0011%; no homozygotes.

Submissions (2):

Labcorp Genetics (formerly Invitae), Labcorp
Classification: Uncertain significance for Hyperkalemic periodic paralysis. Last evaluated: 2026-01-26. Review status: criteria provided, single submitter. Criteria: Invitae Variant Classification Sherloc (09022015). Collection method: clinical testing. Allele origin: germline.
Comment: This sequence change replaces arginine, which is basic and polar, with tryptophan, which is neutral and slightly polar, at codon 380 of the SCN4A protein (p.Arg380Trp). The frequency data for this variant in the population databases is considered unreliable, as metrics indicate poor data quality at this position in the gnomAD database. This variant has not been reported in the literature in individuals affected with SCN4A-related conditions. ClinVar contains an entry for this variant (Variation ID: 3582703). Invitae Evidence Modeling of protein sequence and biophysical properties (such as structural, functional, and spatial information, amino acid conservation, physicochemical variation, residue mobility, and thermodynamic stability) has been performed for this missense variant. However, the output from this modeling did not meet the statistical confidence thresholds required to predict the impact of this variant on SCN4A protein function. In summary, the available evidence is currently insufficient to determine the role of this variant in disease. Therefore, it has been classified as a Variant of Uncertain Significance.

Fulgent Genetics
Classification: Uncertain significance for Paramyotonia congenita of Von Eulenburg; Hyperkalemic periodic paralysis; Potassium-aggravated myotonia; Hypokalemic periodic paralysis, type 2; Congenital myasthenic syndrome 16; Congenital myopathy 22A, classic; Congenital myopathy 22B, severe fetal. Last evaluated: 2024-04-25. Review status: criteria provided, single submitter. Criteria: ACMG Guidelines, 2015. Collection method: clinical testing. Allele origin: germline.

NM_000334.4(SCN4A):c.1138C>T (p.Arg380Trp)

Gene: SCN4A (sodium voltage-gated channel alpha subunit 4; minus strand). Cytogenetic location: 17q23.3.
Variant type: single nucleotide variant.
Coding change: c.1138C>T on transcript NM_000334.4 (MANE Select); coding-DNA position 1138, C replaced by T.
Protein change: p.Arg380Trp; replaces arginine 380 with tryptophan.
Molecular consequence: missense variant.
Genome position (GRCh38, 1-based): chr17:63,966,206, G>A on the plus strand (C>T on the coding strand, the complement: SCN4A is on the minus strand). VCF-style: chr17-63966206-G-A. GRCh37 (hg19) VCF-style: chr17-62043566-G-A.
Other names: short protein forms R380W.
Identifiers: ClinVar variation 3582703 (VCV003582703.2).
Genomic context (GRCh38, chr17:63,966,206, plus strand): 5'-AGAGAGCCAAGAAGGCCCAGCTGAAGGTGTCATAGCTGGTGTAGCCATAGTTGGGGTTCC[G>A]CCCGGTCTTGATGCACTCATAACCCTCAGGGCAGTGCCTAGGAATAGGACAGGGGGCTGG-3'
Protein context (NP_000325.4, residues 370-390): PEGYECIKTG[Arg380Trp]NPNYGYTSYD